The following is an entry in ClinVar:

NM_000051.4(ATM):c.340del (p.Arg114fs)

Gene: ATM (ATM serine/threonine kinase; plus strand). Cytogenetic location: 11q22.3.
Variant type: Deletion.
Coding change: c.340del on transcript NM_000051.4 (MANE Select); coding-DNA position 340, one base deleted (A; older notation c.340delA).
Protein change: p.Arg114fs; shifts the reading frame from arginine 114.
Molecular consequence: frameshift variant.
Genome position (GRCh38, 1-based): chr11:108,235,678, A deleted. VCF-style (leftmost placement, unchanged base first): chr11-108235677-TA-T. GRCh37 (hg19) VCF-style: chr11-108106404-TA-T.
Other names: c.340del, p.Arg114fs (NM_001351834.2); short protein forms R114fs.
Identifiers: ClinVar variation 2679758 (VCV002679758.2), dbSNP rs2497016267, ClinGen allele CA2695198965.

ClinVar aggregate classification (germline): Pathogenic/Likely pathogenic. Review status: criteria provided, multiple submitters, no conflicts (2 of 4 stars). 2 submissions from 2 submitters: Pathogenic (1); Likely pathogenic (1). Last evaluated 2024-01-09.

Conditions:
Familial cancer of breast. Also called: hereditary breast carcinoma; BREAST CANCER, FAMILIAL; Hereditary breast cancer. Identifiers: Orphanet 227535, MedGen C0346153, MONDO:0016419, OMIM 114480. Disease mechanism: loss of function.

Submissions (2):

Myriad Genetics, Inc.
Classification: Pathogenic for Familial cancer of breast. Last evaluated: 2024-01-09. Review status: criteria provided, single submitter. Criteria: Myriad Autosomal Dominant, Autosomal Recessive and X-Linked Classification Criteria (2023). Collection method: clinical testing. Allele origin: unknown.
Comment: This variant is considered pathogenic. This variant creates a frameshift predicted to result in premature protein truncation.

Baylor Genetics
Classification: Likely pathogenic for Familial cancer of breast. Last evaluated: 2022-11-12. Review status: criteria provided, single submitter. Criteria: ACMG Guidelines, 2015. Collection method: clinical testing. Allele origin: unknown.